The following is an entry in ClinVar:

NM_002267.4(KPNA3):c.1081G>A (p.Val361Ile)

Gene: KPNA3 (karyopherin subunit alpha 3; minus strand). Cytogenetic location: 13q14.2.
Variant type: single nucleotide variant.
Coding change: c.1081G>A on transcript NM_002267.4 (MANE Select); coding-DNA position 1081, G replaced by A.
Protein change: p.Val361Ile; replaces valine 361 with isoleucine.
Molecular consequence: missense variant.
Genome position (GRCh38, 1-based): chr13:49,706,324, C>T on the plus strand (G>A on the coding strand, the complement: KPNA3 is on the minus strand). VCF-style: chr13-49706324-C-T. GRCh37 (hg19) VCF-style: chr13-50280460-C-T.
Other names: short protein forms V361I.
Identifiers: ClinVar variation 2507340 (VCV002507340.1), dbSNP rs755526497, ClinGen allele CA6983573.
Genomic context (GRCh38, chr13:49,706,324, plus strand): 5'-CAACCTTAGCAAGCTGATGAATTATCATAGGAATTAATCCAGCATCTATTACAGCTTGAA[C>T]TTGTTGCTGGTTGCCTGCTGTTATGTTGGAAAGGAACCACACTGCTTCCTATAATTGAAC-3'
Protein context (NP_002258.2, residues 351-371): SNITAGNQQQ[Val361Ile]QAVIDAGLIP

ClinVar aggregate classification (germline): Uncertain significance (1 of 4 stars; one submission).

Allele frequency attached by ClinVar (database versions not stated): gnomAD exomes below 0.00001; ExAC 0.00001.
gnomAD v4.1: 1 of 1,614,150 alleles (0.000062%); highest among the groups gnomAD compares: African/African-American, 0.0013%; no homozygotes.

Submission:

GeneDx
Classification: Uncertain significance. Last evaluated: 2022-12-30. Review status: criteria provided, single submitter. Criteria: GeneDx Variant Classification Process June 2021. Collection method: clinical testing. Allele origin: germline. Affected: yes.
Comment: In silico analysis supports that this missense variant does not alter protein structure/function; Has not been previously published as pathogenic or benign to our knowledge